The following is an entry in ClinVar:

NM_207352.4(CYP4V2):c.143G>C (p.Arg48Pro)

Gene: CYP4V2 (cytochrome P450 family 4 subfamily V member 2; plus strand). Cytogenetic location: 4q35.1.
Variant type: single nucleotide variant.
Coding change: c.143G>C on transcript NM_207352.4 (MANE Select); coding-DNA position 143, G replaced by C.
Protein change: p.Arg48Pro; replaces arginine 48 with proline.
Molecular consequence: missense variant.
Genome position (GRCh38, 1-based): chr4:186,191,966, G>C. VCF-style: chr4-186191966-G-C. GRCh37 (hg19) VCF-style: chr4-187113120-G-C.
Other names: short protein forms R48P.
Identifiers: ClinVar variation 1039750 (VCV001039750.9), dbSNP rs1735998479, ClinGen allele CA358946645.

ClinVar aggregate classification (germline): Uncertain significance. Review status: criteria provided, single submitter (1 of 4 stars). 2 submissions from 2 submitters: Uncertain significance (1). 1 of the submissions does not count toward it. Last evaluated 2022-08-23.

Conditions:
Optic atrophy. Identifiers: MedGen C0029124, MONDO:0003608, HP:0000648.

Submissions (2):

Labcorp Genetics (formerly Invitae), Labcorp
Classification: Uncertain significance. Last evaluated: 2022-08-23. Review status: criteria provided, single submitter. Criteria: Invitae Variant Classification Sherloc (09022015). Collection method: clinical testing. Allele origin: germline.
Comment: In summary, the available evidence is currently insufficient to determine the role of this variant in disease. Therefore, it has been classified as a Variant of Uncertain Significance. Advanced modeling of protein sequence and biophysical properties (such as structural, functional, and spatial information, amino acid conservation, physicochemical variation, residue mobility, and thermodynamic stability) performed at Invitae indicates that this missense variant is expected to disrupt CYP4V2 protein function. ClinVar contains an entry for this variant (Variation ID: 1039750). This missense change has been observed in individual(s) with clinical features of retinitis pigmentosa (Invitae). This variant is not present in population databases (gnomAD no frequency). This sequence change replaces arginine, which is basic and polar, with proline, which is neutral and non-polar, at codon 48 of the CYP4V2 protein (p.Arg48Pro).

Institute of Human Genetics, Univ. Regensburg, Univ. Regensburg
Classification: Uncertain significance for Optic atrophy. Last evaluated: 2022-01-01. Review status: no assertion criteria provided. Criteria: ACMG Guidelines, 2015. Collection method: clinical testing. Allele origin: germline. Affected: yes. Not counted in ClinVar's aggregate classification.